The following is an entry in ClinVar:

NM_021954.4(GJA3):c.771C>A (p.Pro257=)

Gene: GJA3 (gap junction protein alpha 3; minus strand). Cytogenetic location: 13q12.11.
Variant type: single nucleotide variant.
Coding change: c.771C>A on transcript NM_021954.4 (MANE Select); coding-DNA position 771, C replaced by A.
Protein change: p.Pro257=; no amino-acid change (proline 257 retained).
Molecular consequence: synonymous variant.
Genome position (GRCh38, 1-based): chr13:20,142,518, G>T on the plus strand (C>A on the coding strand, the complement: GJA3 is on the minus strand). VCF-style: chr13-20142518-G-T. GRCh37 (hg19) VCF-style: chr13-20716657-G-T.
Identifiers: ClinVar variation 468543 (VCV000468543.13), dbSNP rs553789027, ClinGen allele CA6904049.
Genomic context (GRCh38, chr13:20,142,518, plus strand): 5'-CGCAGCGGTGTGCGCATAGTAGGGTGGGAACCCGATGGCAACGGCGGGCGGCCGGGAGCT[G>T]GGGGGCAGGGGCGGGGGATCGGCTGTCCCCAGCGGGGCCTCGGAGGCGTCCGGGCCGAGG-3'
Protein context (NP_068773.2, residues 247-267): LGTADPPPLP[Pro257=]SSRPPAVAIG

ClinVar aggregate classification (germline): Benign/Likely benign. Review status: criteria provided, multiple submitters, no conflicts (2 of 4 stars). 3 submissions from 3 submitters: Benign (1); Likely benign (1). 1 of the submissions does not count toward it. Last evaluated 2025-12-23.

Conditions:
GJA3-related disorder. Also called: GJA3-related condition.
Cataract 14 multiple types. Also called: CATARACT 14, ZONULAR PULVERULENT; CATARACT 14, NUCLEAR PULVERULENT; CATARACT 14, NUCLEAR PULVERULENT AND POSTERIOR POLAR; CATARACT 14, NUCLEAR CORALLIFORM; CATARACT 14, EMBRYONAL NUCLEAR; CATARACT 14, COPPOCK-LIKE. Identifiers: Orphanet 91492, MedGen C1866078, MONDO:0011162, OMIM 601885.

Allele frequency attached by ClinVar (database versions not stated): gnomAD 0.00013; 1000 Genomes Project 0.00020; TOPMed 0.00024; 1000 Genomes Project 30x 0.00031; gnomAD exomes 0.00046; ExAC 0.00104.
gnomAD v4.1: 364 of 1,553,814 alleles (0.023%); highest among the groups gnomAD compares: Middle Eastern, 0.75%; 3 homozygotes.

Submissions (3):

Labcorp Genetics (formerly Invitae), Labcorp
Classification: Benign for Cataract 14 multiple types. Last evaluated: 2025-12-23. Review status: criteria provided, single submitter. Criteria: Invitae Variant Classification Sherloc (09022015). Collection method: clinical testing. Allele origin: germline.

Blueprint Genetics
Classification: Likely benign. Last evaluated: 2024-08-30. Review status: criteria provided, single submitter. Criteria: ACMG Guidelines, 2015. Collection method: clinical testing. Allele origin: germline.

PreventionGenetics, part of Exact Sciences
Classification: Likely benign for GJA3-related condition. Last evaluated: 2019-02-28. Review status: no assertion criteria provided. Collection method: clinical testing. Allele origin: germline. Not counted in ClinVar's aggregate classification.
Comment: This variant is classified as likely benign based on ACMG/AMP sequence variant interpretation guidelines (Richards et al. 2015 PMID: 25741868, with internal and published modifications).